The following is an entry in ClinVar:

NM_015378.4(VPS13D):c.7038T>G (p.Tyr2346Ter)

Gene: VPS13D (vacuolar protein sorting 13 homolog D; plus strand). Cytogenetic location: 1p36.22.
Variant type: single nucleotide variant.
Coding change: c.7038T>G on transcript NM_015378.4 (MANE Select); coding-DNA position 7038, T replaced by G.
Protein change: p.Tyr2346Ter; replaces tyrosine 2346 with a stop codon.
Molecular consequence: nonsense.
Genome position (GRCh38, 1-based): chr1:12,314,217, T>G. VCF-style: chr1-12314217-T-G. GRCh37 (hg19) VCF-style: chr1-12374274-T-G.
Other names: c.7038T>G, p.Tyr2346Ter (NM_018156.4); short protein forms Y2346*.
Identifiers: ClinVar variation 2031321 (VCV002031321.4), dbSNP rs2524199730, ClinGen allele CA338493033.

ClinVar aggregate classification (germline): Pathogenic (1 of 4 stars; one submission).

Submission:

Labcorp Genetics (formerly Invitae), Labcorp
Classification: Pathogenic. Last evaluated: 2022-09-23. Review status: criteria provided, single submitter. Criteria: Invitae Variant Classification Sherloc (09022015). Collection method: clinical testing. Allele origin: germline.
Comment: For these reasons, this variant has been classified as Pathogenic. This variant has not been reported in the literature in individuals affected with VPS13D-related conditions. This variant is not present in population databases (gnomAD no frequency). This sequence change creates a premature translational stop signal (p.Tyr2346*) in the VPS13D gene. It is expected to result in an absent or disrupted protein product. Loss-of-function variants in VPS13D are known to be pathogenic (PMID: 29518281).

Literature cited by the submitters: PubMed 29518281.